The following is an entry in ClinVar:

ClinVar aggregate classification (germline): Uncertain significance (1 of 4 stars; one submission).

Conditions:
Diamond-Blackfan anemia. Also called: Blackfan Diamond syndrome; Aregenerative anemia chronic congenital; Red cell aplasia, pure hereditary; Congenital hypoplastic anemia; Aase syndrome. Identifiers: Orphanet 124, MedGen C1260899, MeSH D029503, MONDO:0015253, HP:0004810.
GATA binding protein 1 related thrombocytopenia with dyserythropoiesis. Also called: GATA1-Related Cytopenia; GATA1-Related X-Linked Cytopenia. Identifiers: MedGen C1845837, MONDO:0100089.

Submission:

Labcorp Genetics (formerly Invitae), Labcorp
Classification: Uncertain significance for GATA binding protein 1 related thrombocytopenia with dyserythropoiesis; Diamond-Blackfan anemia. Last evaluated: 2025-05-25. Review status: criteria provided, single submitter. Criteria: Invitae Variant Classification Sherloc (09022015). Collection method: clinical testing. Allele origin: germline.
Comment: This sequence change replaces glutamic acid, which is acidic and polar, with glutamine, which is neutral and polar, at codon 29 of the GATA1 protein (p.Glu29Gln). The frequency data for this variant in the population databases is considered unreliable, as metrics indicate poor data quality at this position in the gnomAD database. This variant has not been reported in the literature in individuals affected with GATA1-related conditions. Invitae Evidence Modeling of protein sequence and biophysical properties (such as structural, functional, and spatial information, amino acid conservation, physicochemical variation, residue mobility, and thermodynamic stability) indicates that this missense variant is not expected to disrupt GATA1 protein function with a negative predictive value of 95%. In summary, the available evidence is currently insufficient to determine the role of this variant in disease. Therefore, it has been classified as a Variant of Uncertain Significance.

NM_002049.4(GATA1):c.85G>C (p.Glu29Gln)

Gene: GATA1 (GATA binding protein 1; plus strand). Cytogenetic location: Xp11.23.
Variant type: single nucleotide variant.
Coding change: c.85G>C on transcript NM_002049.4 (MANE Select); coding-DNA position 85, G replaced by C.
Protein change: p.Glu29Gln; replaces glutamic acid 29 with glutamine.
Molecular consequence: missense variant.
Genome position (GRCh38, 1-based): chrX:48,791,194, G>C. VCF-style: chrX-48791194-G-C. GRCh37 (hg19) VCF-style: chrX-48649601-G-C.
Other names: short protein forms E29Q.
Identifiers: ClinVar variation 4790396 (VCV004790396.1).